The following is an entry in ClinVar:

NM_000051.4(ATM):c.7425A>G (p.Leu2475=)

Genes: ATM (ATM serine/threonine kinase; plus strand), C11orf65 (chromosome 11 open reading frame 65; minus strand). Cytogenetic location: 11q22.3.
Variant type: single nucleotide variant.
Coding change: c.7425A>G on transcript NM_000051.4 (MANE Select); coding-DNA position 7425, A replaced by G.
Protein change: p.Leu2475=; no amino-acid change (leucine 2475 retained).
Molecular consequence: synonymous variant. On other transcripts: intron variant (2).
Genome position (GRCh38, 1-based): chr11:108,330,331, A>G. VCF-style: chr11-108330331-A-G. GRCh37 (hg19) VCF-style: chr11-108201058-A-G.
Other names: c.7425A>G, p.Leu2475= (NM_001351834.2); c.641-21260T>C (NM_001330368.2); c.*38+4889T>C (NM_001351110.2).
Identifiers: ClinVar variation 478979 (VCV000478979.16), dbSNP rs1555123162, ClinGen allele CA476676927.

ClinVar aggregate classification (germline): Benign/Likely benign. Review status: criteria provided, multiple submitters, no conflicts (2 of 4 stars). 4 submissions from 4 submitters: Benign (1); Likely benign (3). Last evaluated 2024-06-14.

Conditions:
Hereditary cancer-predisposing syndrome. Also called: Neoplastic Syndromes, Hereditary; Hereditary Cancer Syndrome; Tumor predisposition; Hereditary neoplastic syndrome. Identifiers: Orphanet 140162, MedGen C0027672, MeSH D009386, MONDO:0015356.
Familial cancer of breast. Also called: Hereditary breast cancer; BREAST CANCER, FAMILIAL; hereditary breast carcinoma. Identifiers: Orphanet 227535, MedGen C0346153, MONDO:0016419, OMIM 114480. Disease mechanism: loss of function.
Ataxia-telangiectasia syndrome (AT). Also called: LOUIS-BAR SYNDROME; Cerebello-oculocutaneous telangiectasia; Immunodeficiency with ataxia telangiectasia; Ataxia-telangiectasia, complementation group D; AT, COMPLEMENTATION GROUP C; Ataxia-telangiectasia, complementation group E. Identifiers: Orphanet 100, MedGen C0004135, MONDO:0008840, OMIM 208900.

Submissions (4):

Myriad Genetics, Inc.
Classification: Benign for Familial cancer of breast. Last evaluated: 2024-06-14. Review status: criteria provided, single submitter. Criteria: Myriad Autosomal Dominant, Autosomal Recessive and X-Linked Classification Criteria (2023). Collection method: clinical testing. Allele origin: unknown.
Comment: This variant is considered benign. This variant is a silent/synonymous amino acid change and it is not expected to impact splicing.

Labcorp Genetics (formerly Invitae), Labcorp
Classification: Likely benign for Ataxia-telangiectasia syndrome. Last evaluated: 2021-03-26. Review status: criteria provided, single submitter. Criteria: Invitae Variant Classification Sherloc (09022015). Collection method: clinical testing. Allele origin: germline.

Women's Health and Genetics/Laboratory Corporation of America, LabCorp
Classification: Likely benign. Last evaluated: 2019-08-21. Review status: criteria provided, single submitter. Criteria: LabCorp Variant Classification Summary - May 2015. Collection method: clinical testing. Allele origin: germline.

Ambry Genetics
Classification: Likely benign for Hereditary cancer-predisposing syndrome. Last evaluated: 2016-04-29. Review status: criteria provided, single submitter. Criteria: Ambry Variant Classification Scheme 2023. Collection method: clinical testing. Allele origin: germline.